The following is an entry in ClinVar:

ClinVar aggregate classification (germline): Benign/Likely benign. Review status: criteria provided, multiple submitters, no conflicts (2 of 4 stars). 14 submissions from 13 submitters: Benign (2); Likely benign (9). 3 of the submissions do not count toward it. Last evaluated 2026-07-01.

Conditions:
Connective tissue disorder. Also called: Connective tissue disease. Identifiers: MedGen C0009782, MONDO:0003900.
Fibrochondrogenesis 1 (FBCG1). Identifiers: Orphanet 2021, MedGen C3278138, MONDO:0009226, OMIM 228520.
Stickler syndrome type 2 (STL2). Also called: STICKLER SYNDROME, TYPE II; STICKLER SYNDROME, BEADED VITREOUS TYPE; STICKLER SYNDROME, VITREOUS TYPE 2; COL11A1-Related Stickler Syndrome. Identifiers: Orphanet 828, Orphanet 90654, MedGen C1858084, MONDO:0011493, OMIM 604841.

Allele frequency attached by ClinVar (database versions not stated): 1000 Genomes Project 30x 0.00109; 1000 Genomes Project 0.00120; gnomAD 0.00251 and 0.00259; TOPMed 0.00268; gnomAD exomes 0.00279; ExAC 0.00282; ESP Exome Variant Server 0.00361.
gnomAD v4.1: 6,341 of 1,612,996 alleles (0.39%); highest among the groups gnomAD compares: Non-Finnish European, 0.47%; 20 homozygotes.

Submissions (14):

CeGaT Center for Human Genetics Tuebingen
Classification: Likely benign. Last evaluated: 2026-07-01. Review status: criteria provided, single submitter. Criteria: CeGaT Center For Human Genetics Tuebingen Variant Classification Criteria Version 2. Collection method: clinical testing. Allele origin: germline. Affected: yes. Observed: 19 variant alleles.
Comment: COL11A1: BP4, BP7, BS2

Labcorp Genetics (formerly Invitae), Labcorp
Classification: Benign. Last evaluated: 2026-02-01. Review status: criteria provided, single submitter. Criteria: Invitae Variant Classification Sherloc (09022015). Collection method: clinical testing. Allele origin: germline.

Blueprint Genetics
Classification: Likely benign. Last evaluated: 2024-11-22. Review status: criteria provided, single submitter. Criteria: ACMG Guidelines, 2015. Collection method: clinical testing. Allele origin: germline.

ARUP Laboratories, Molecular Genetics and Genomics, ARUP Laboratories
Classification: Likely benign. Last evaluated: 2023-11-09. Review status: criteria provided, single submitter. Criteria: ARUP Molecular Germline Variant Investigation Process 2024. Collection method: clinical testing. Allele origin: germline.

Genome Diagnostics Laboratory, The Hospital for Sick Children
Classification: Benign for Connective tissue disorder. Last evaluated: 2022-04-22. Review status: criteria provided, single submitter. Criteria: ACMG Guidelines, 2015. Collection method: clinical testing. Allele origin: germline.

Illumina Laboratory Services, Illumina
Classification: Likely benign for Stickler syndrome type 2. Last evaluated: 2018-01-13. Review status: criteria provided, single submitter. Criteria: ICSL Variant Classification Criteria 13 December 2019. Collection method: clinical testing. Allele origin: germline.
Comment: This variant was observed in the ICSL laboratory as part of a predisposition screen in an ostensibly healthy population. It had not been previously curated by ICSL or reported in the Human Gene Mutation Database (HGMD: prior to June 1st, 2018), and was therefore a candidate for classification through an automated scoring system. Utilizing variant allele frequency, disease prevalence and penetrance estimates, and inheritance mode, an automated score was calculated to assess if this variant is too frequent to cause the disease. Based on the score and internal cut-off values, a variant classified as likely benign is not then subjected to further curation. The score for this variant resulted in a classification of likely benign for this disease.

Illumina Laboratory Services, Illumina
Classification: Likely benign for Fibrochondrogenesis 1. Last evaluated: 2018-01-13. Review status: criteria provided, single submitter. Criteria: ICSL Variant Classification Criteria 13 December 2019. Collection method: clinical testing. Allele origin: germline.
Comment: the same text as in the submission from Illumina Laboratory Services, Illumina above.

GeneDx
Classification: Likely benign. Last evaluated: 2017-11-30. Review status: criteria provided, single submitter. Criteria: GeneDx Variant Classification (06012015). Collection method: clinical testing. Allele origin: germline. Affected: yes.
Comment: This variant is considered likely benign or benign based on one or more of the following criteria: it is a conservative change, it occurs at a poorly conserved position in the protein, it is predicted to be benign by multiple in silico algorithms, and/or has population frequency not consistent with disease.

Center for Human Genetics, Inc
Classification: Likely benign for Connective tissue disorder. Last evaluated: 2016-11-01. Review status: criteria provided, single submitter. Criteria: ACMG Guidelines, 2015. Collection method: clinical testing. Allele origin: germline. Affected: yes.

Eurofins Ntd Llc (ga)
Classification: Likely benign. Last evaluated: 2014-12-01. Review status: criteria provided, single submitter. Criteria: EGL Classification Definitions 2015. Collection method: clinical testing. Allele origin: germline. Observed: 2 variant alleles, 2 heterozygotes.

Breakthrough Genomics
Classification: Likely benign. Review status: criteria provided, single submitter. Criteria: ACMG Guidelines, 2015. Collection method: not provided. Allele origin: germline. Inheritance: Autosomal recessive inheritance. Affected: yes.

Clinical Genetics DNA and cytogenetics Diagnostics Lab, Erasmus MC, Erasmus Medical Center
Classification: Likely benign. Review status: no assertion criteria provided. Collection method: clinical testing. Allele origin: germline. Affected: yes. Study: VKGL Data-share Consensus. Not counted in ClinVar's aggregate classification.

Clinical Genetics, Academic Medical Center
Classification: Likely benign. Review status: no assertion criteria provided. Collection method: clinical testing. Allele origin: germline. Affected: yes. Study: VKGL Data-share Consensus. Not counted in ClinVar's aggregate classification.

Genome Diagnostics Laboratory, Amsterdam University Medical Center
Classification: Benign. Review status: no assertion criteria provided. Collection method: clinical testing. Allele origin: germline. Affected: yes. Study: VKGL Data-share Consensus. Not counted in ClinVar's aggregate classification.

NM_001854.4(COL11A1):c.4185C>T (p.Val1395=)

Gene: COL11A1 (collagen type XI alpha 1 chain; minus strand). Cytogenetic location: 1p21.1.
Variant type: single nucleotide variant.
Coding change: c.4185C>T on transcript NM_001854.4 (MANE Select); coding-DNA position 4185, C replaced by T.
Protein change: p.Val1395=; no amino-acid change (valine 1395 retained).
Molecular consequence: synonymous variant. On other transcripts: non-coding transcript variant (1).
Genome position (GRCh38, 1-based): chr1:102,898,729, G>A on the plus strand (C>T on the coding strand, the complement: COL11A1 is on the minus strand). VCF-style: chr1-102898729-G-A. GRCh37 (hg19) VCF-style: chr1-103364285-G-A.
Other names: c.4068C>T, p.Val1356= (NM_001190709.2); c.4221C>T, p.Val1407= (NM_080629.3); c.3837C>T, p.Val1279= (NM_080630.4).
Identifiers: ClinVar variation 197989 (VCV000197989.59), dbSNP rs112577505, ClinGen allele CA203175.